The following is an entry in ClinVar:

ClinVar aggregate classification (germline): Uncertain significance. Review status: criteria provided, multiple submitters, no conflicts (2 of 4 stars). 2 submissions from 2 submitters: Uncertain significance (2). Last evaluated 2025-08-26.

gnomAD v4.1: 38 of 1,589,246 alleles (0.0024%); highest among the groups gnomAD compares: Non-Finnish European, 0.0031%; no homozygotes.

Submissions (2):

Labcorp Genetics (formerly Invitae), Labcorp
Classification: Uncertain significance. Last evaluated: 2025-08-26. Review status: criteria provided, single submitter. Criteria: Invitae Variant Classification Sherloc (09022015). Collection method: clinical testing. Allele origin: germline.
Comment: This sequence change replaces alanine, which is neutral and non-polar, with glutamic acid, which is acidic and polar, at codon 409 of the ZCCHC8 protein (p.Ala409Glu). The frequency data for this variant in the population databases is considered unreliable, as metrics indicate poor data quality at this position in the gnomAD database. This variant has not been reported in the literature in individuals affected with ZCCHC8-related conditions. ClinVar contains an entry for this variant (Variation ID: 2716162). An algorithm developed to predict the effect of missense changes on protein structure and function (PolyPhen-2) suggests that this variant is likely to be tolerated. In summary, the available evidence is currently insufficient to determine the role of this variant in disease. Therefore, it has been classified as a Variant of Uncertain Significance.

Ambry Genetics
Classification: Uncertain significance. Last evaluated: 2024-10-09. Review status: criteria provided, single submitter. Criteria: Ambry Variant Classification Scheme 2023. Collection method: clinical testing. Allele origin: germline.

NM_017612.5(ZCCHC8):c.1226C>A (p.Ala409Glu)

Gene: ZCCHC8 (zinc finger CCHC-type containing 8; minus strand). Cytogenetic location: 12q24.31.
Variant type: single nucleotide variant.
Coding change: c.1226C>A on transcript NM_017612.5 (MANE Select); coding-DNA position 1226, C replaced by A.
Protein change: p.Ala409Glu; replaces alanine 409 with glutamic acid.
Molecular consequence: missense variant.
Genome position (GRCh38, 1-based): chr12:122,478,207, G>T on the plus strand (C>A on the coding strand, the complement: ZCCHC8 is on the minus strand). VCF-style: chr12-122478207-G-T. GRCh37 (hg19) VCF-style: chr12-122962754-G-T.
Other names: c.995C>A, p.Ala332Glu (NM_001350935.2); c.929C>A, p.Ala310Glu (NM_001350936.2); c.512C>A, p.Ala171Glu (NM_001350937.2, NM_001350938.2); c.1226C>A (NM_017612.3); short protein forms A310E, A332E, A171E, A409E.
Identifiers: ClinVar variation 2716162 (VCV002716162.4), dbSNP rs201799696, ClinGen allele CA6846255.
Genomic context (GRCh38, chr12:122,478,207, plus strand): 5'-TTACACAATCTCGCAGACACAACAACATTTTATAGAGCACACCCTTAAAATCTATTTACC[G>T]CTTGGAAGTTAGAAGTAAGGTAATTGGCAAACACATCCTTCTGCTGACATGCCTGCATTG-3'
Protein context (NP_060082.2, residues 399-419): FANYLTSNFQ[Ala409Glu]PGVKSGNKRS